The following is an entry in ClinVar:

NM_032776.3(JMJD1C):c.6179A>G (p.Asn2060Ser)

Gene: JMJD1C (jumonji domain containing 1C; minus strand). Cytogenetic location: 10q21.3.
Variant type: single nucleotide variant.
Coding change: c.6179A>G on transcript NM_032776.3 (MANE Select); coding-DNA position 6179, A replaced by G.
Protein change: p.Asn2060Ser; replaces asparagine 2060 with serine.
Molecular consequence: missense variant. On other transcripts: non-coding transcript variant (1).
Genome position (GRCh38, 1-based): chr10:63,191,006, T>C on the plus strand (A>G on the coding strand, the complement: JMJD1C is on the minus strand). VCF-style: chr10-63191006-T-C. GRCh37 (hg19) VCF-style: chr10-64950766-T-C.
Other names: c.5633A>G, p.Asn1878Ser (NM_001282948.2, NM_001318154.2); c.5315A>G, p.Asn1772Ser (NM_001318153.2); c.6065A>G, p.Asn2022Ser (NM_001322252.2); c.5522A>G, p.Asn1841Ser (NM_001322254.2, NM_001322258.2); short protein forms N1878S, N2022S, N2060S, N1772S, N1841S.
Identifiers: ClinVar variation 933375 (VCV000933375.9), dbSNP rs750747925, ClinGen allele CA5517923.

ClinVar aggregate classification (germline): Uncertain significance (1 of 4 stars; one submission).

Conditions:
Early Myoclonic Encephalopathy. Identifiers: MedGen C0270855.

Allele frequency attached by ClinVar (database versions not stated): ExAC 0.00001; gnomAD exomes 0.00003 and 0.00001.
gnomAD v4.1: 6 of 1,614,160 alleles (0.00037%); highest among the groups gnomAD compares: Admixed American, 0.01%; no homozygotes.

Submission:

Labcorp Genetics (formerly Invitae), Labcorp
Classification: Uncertain significance for Early Myoclonic Encephalopathy. Last evaluated: 2026-01-27. Review status: criteria provided, single submitter. Criteria: Invitae Variant Classification Sherloc (09022015). Collection method: clinical testing. Allele origin: germline.
Comment: This sequence change replaces asparagine, which is neutral and polar, with serine, which is neutral and polar, at codon 2060 of the JMJD1C protein (p.Asn2060Ser). This variant is present in population databases (rs750747925, gnomAD 0.02%). This variant has not been reported in the literature in individuals affected with JMJD1C-related conditions. ClinVar contains an entry for this variant (Variation ID: 933375). Invitae Evidence Modeling of protein sequence and biophysical properties (such as structural, functional, and spatial information, amino acid conservation, physicochemical variation, residue mobility, and thermodynamic stability) indicates that this missense variant is not expected to disrupt JMJD1C protein function with a negative predictive value of 80%. In summary, the available evidence is currently insufficient to determine the role of this variant in disease. Therefore, it has been classified as a Variant of Uncertain Significance.